The following is an entry in ClinVar:

NM_001363749.2(CSNK1D):c.1249C>T (p.Arg417Cys)

Genes: CSNK1D (casein kinase 1 delta; minus strand), SLC16A3 (solute carrier family 16 member 3; plus strand). Cytogenetic location: 17q25.3.
Variant type: single nucleotide variant.
Coding change: c.1249C>T on transcript NM_001363749.2; coding-DNA position 1249, C replaced by T.
Protein change: p.Arg417Cys; replaces arginine 417 with cysteine.
Molecular consequence: missense variant. On other transcripts: 3 prime UTR variant (6).
Genome position (GRCh38, 1-based): chr17:82,240,011, G>A on the plus strand (C>T on the coding strand, the complement: CSNK1D is on the minus strand). VCF-style: chr17-82240011-G-A. GRCh37 (hg19) VCF-style: chr17-80197887-G-A.
Other names: c.*1035G>A (NM_001042422.3, NM_001042423.3, NM_001206950.2 and 3 more transcripts); short protein forms R417C.
Identifiers: ClinVar variation 3356244 (VCV003356244.1).
Genomic context (GRCh38, chr17:82,240,011, plus strand): 5'-GCCCGGTCAGAGGCCGCCGGGGCCCTCAGTAGGTGCGTCGTGGGCGCTGGGGACGGCAGC[G>A]GGTGCCCTGGCGGGCCGCGTGCAGCCGGAGAGATGCCATGTCCCTGCTCCTCTGCAATGA-3'

ClinVar aggregate classification (germline): Likely benign (0 of 4 stars; one submission).

Conditions:
CSNK1D-related disorder. Also called: CSNK1D-related condition.

gnomAD v4.1: 120 of 1,233,780 alleles (0.0097%); highest among the groups gnomAD compares: East Asian, 0.17%; no homozygotes.

Submission:

PreventionGenetics, part of Exact Sciences
Classification: Likely benign for CSNK1D-related condition. Last evaluated: 2024-03-24. Review status: no assertion criteria provided. Collection method: clinical testing. Allele origin: germline.
Comment: This variant is classified as likely benign based on ACMG/AMP sequence variant interpretation guidelines (Richards et al. 2015 PMID: 25741868, with internal and published modifications).